The following is an entry in ClinVar:

ClinVar aggregate classification (germline): Uncertain significance (1 of 4 stars; one submission).

Conditions:
Hereditary cancer-predisposing syndrome. Also called: Hereditary Cancer Syndrome; Neoplastic Syndromes, Hereditary; Tumor predisposition; Hereditary neoplastic syndrome. Identifiers: Orphanet 140162, MedGen C0027672, MeSH D009386, MONDO:0015356.

Submission:

Color Diagnostics, LLC DBA Color Health
Classification: Uncertain significance for Hereditary cancer-predisposing syndrome. Last evaluated: 2023-12-05. Review status: criteria provided, single submitter. Criteria: ACMG Guidelines, 2015. Collection method: clinical testing. Allele origin: germline.
Comment: This missense variant replaces asparagine with threonine at codon 324 of the PALB2 protein. Computational prediction suggests that this variant may not impact protein structure and function (internally defined REVEL score threshold <= 0.5, PMID: 27666373). To our knowledge, functional studies have not been reported for this variant. This variant has not been reported in individuals affected with PALB2-related disorders in the literature. This variant has not been identified in the general population by the Genome Aggregation Database (gnomAD). The available evidence is insufficient to determine the role of this variant in disease conclusively. Therefore, this variant is classified as a Variant of Uncertain Significance.

NM_024675.4(PALB2):c.971A>C (p.Asn324Thr)

Gene: PALB2 (partner and localizer of BRCA2; minus strand). Cytogenetic location: 16p12.2.
Variant type: single nucleotide variant.
Coding change: c.971A>C on transcript NM_024675.4 (MANE Select); coding-DNA position 971, A replaced by C.
Protein change: p.Asn324Thr; replaces asparagine 324 with threonine.
Molecular consequence: missense variant.
Genome position (GRCh38, 1-based): chr16:23,635,575, T>G on the plus strand (A>C on the coding strand, the complement: PALB2 is on the minus strand). VCF-style: chr16-23635575-T-G. GRCh37 (hg19) VCF-style: chr16-23646896-T-G.
Other names: short protein forms N324T.
Identifiers: ClinVar variation 490088 (VCV000490088.6), dbSNP rs1555461520, ClinGen allele CA395134866.